The following is an entry in ClinVar:

ClinVar aggregate classification (germline): Uncertain significance (1 of 4 stars; one submission).

Conditions:
Nemaline myopathy 2 (NEM2). Also called: Nemaline myopathy 2, autosomal recessive. Identifiers: MedGen C1850569, MONDO:0009725, OMIM 256030.

Submission:

Juno Genomics, Hangzhou Juno Genomics, Inc
Classification: Uncertain significance for Nemaline myopathy 2. Review status: criteria provided, single submitter. Criteria: ACMG Guidelines, 2015. Collection method: clinical testing. Allele origin: germline. Affected: yes.
Comment: Absent from controls (or at extremely low frequency if recessive) in Genome Aggregation Database, Exome Sequencing Project, 1000 Genomes Project, or Exome Aggregation Consortium.;Multiple lines of computational evidence support a deleterious effect on the gene or gene product (conservation, evolutionary, splicing impact, etc).;For recessive disorders, detected in trans with a pathogenic variant.

NM_001164508.2(NEB):c.19429-428C>G

Genes: NEB (nebulin; minus strand), LOC126806373 (BRD4-independent group 4 enhancer GRCh37_chr2:152410007-152411206; plus strand). Cytogenetic location: 2q23.3.
Variant type: single nucleotide variant.
Coding change: c.19429-428C>G on transcript NM_001164508.2 (MANE Select); 428 bases into the intron before coding-DNA position 19429, C replaced by G.
Molecular consequence: intron variant.
Genome position (GRCh38, 1-based): chr2:151,554,453, G>C on the plus strand (C>G on the coding strand, the complement: NEB is on the minus strand). VCF-style: chr2-151554453-G-C. GRCh37 (hg19) VCF-style: chr2-152410967-G-C.
Other names: c.14326-428C>G (NM_004543.5); c.19429-428C>G (NM_001164507.2, NM_001271208.2).
Identifiers: ClinVar variation 4796592 (VCV004796592.1).
Genomic context (GRCh38, chr2:151,554,453, plus strand): 5'-CGCTACAAAAAAAAACCTTAGCTGGGTGTGGTGGTGCATGCCTGTAGGCCCAGTTACTCA[G>C]CAGGCTGAGGTGGGATGATTCCCGGAGCCCAAGAGGTAGAGGCTTGCAGTGAGCTGTGAT-3'